The following is an entry in ClinVar:

NM_006231.4(POLE):c.3703C>T (p.Leu1235Phe)

Gene: POLE (DNA polymerase epsilon, catalytic subunit; minus strand). Cytogenetic location: 12q24.33.
Variant type: single nucleotide variant.
Coding change: c.3703C>T on transcript NM_006231.4 (MANE Select); coding-DNA position 3703, C replaced by T.
Protein change: p.Leu1235Phe; replaces leucine 1235 with phenylalanine.
Molecular consequence: missense variant.
Genome position (GRCh38, 1-based): chr12:132,649,769, G>A on the plus strand (C>T on the coding strand, the complement: POLE is on the minus strand). VCF-style: chr12-132649769-G-A. GRCh37 (hg19) VCF-style: chr12-133226355-G-A.
Other names: short protein forms L1235F.
Identifiers: ClinVar variation 1012013 (VCV001012013.8), dbSNP rs2042379665, ClinGen allele CA387386490.

ClinVar aggregate classification (germline): Uncertain significance (1 of 4 stars; one submission).

Allele frequency attached by ClinVar (database versions not stated): gnomAD exomes below 0.00001.
gnomAD v4.1: 1 of 1,614,192 alleles (0.000062%); highest among the groups gnomAD compares: African/African-American, 0.0013%; no homozygotes.

Submission:

Labcorp Genetics (formerly Invitae), Labcorp
Classification: Uncertain significance. Last evaluated: 2021-07-12. Review status: criteria provided, single submitter. Criteria: Invitae Variant Classification Sherloc (09022015). Collection method: clinical testing. Allele origin: germline.
Comment: This sequence change replaces leucine with phenylalanine at codon 1235 of the POLE protein (p.Leu1235Phe). The leucine residue is weakly conserved and there is a small physicochemical difference between leucine and phenylalanine. This variant is not present in population databases (ExAC no frequency). In summary, the available evidence is currently insufficient to determine the role of this variant in disease. Therefore, it has been classified as a Variant of Uncertain Significance. Algorithms developed to predict the effect of missense changes on protein structure and function (SIFT, PolyPhen-2, Align-GVGD) all suggest that this variant is likely to be tolerated, but these predictions have not been confirmed by published functional studies and their clinical significance is uncertain. This variant has not been reported in the literature in individuals with POLE-related conditions.